The following is an entry in ClinVar:

NM_004839.4(HOMER2):c.430G>A (p.Ala144Thr)

Gene: HOMER2 (homer scaffold protein 2; minus strand). Cytogenetic location: 15q25.2.
Variant type: single nucleotide variant.
Coding change: c.430G>A on transcript NM_004839.4 (MANE Select); coding-DNA position 430, G replaced by A.
Protein change: p.Ala144Thr; replaces alanine 144 with threonine.
Molecular consequence: missense variant.
Genome position (GRCh38, 1-based): chr15:82,859,093, C>T on the plus strand (G>A on the coding strand, the complement: HOMER2 is on the minus strand). VCF-style: chr15-82859093-C-T. GRCh37 (hg19) VCF-style: chr15-83527845-C-T.
Other names: c.463G>A, p.Ala155Thr (NM_199330.3); short protein forms A144T, A155T.
Identifiers: ClinVar variation 1050340 (VCV001050340.1), dbSNP rs780027349, ClinGen allele CA7702149.

ClinVar aggregate classification (germline): Uncertain significance (0 of 4 stars; one submission).

Allele frequency attached by ClinVar (database versions not stated): ExAC 0.00001; gnomAD 0.00001; gnomAD exomes 0.00001; TOPMed 0.00002.

Submission:

Department of Pathology and Laboratory Medicine, Sinai Health System
Classification: Uncertain significance. Review status: no assertion criteria provided. Collection method: clinical testing. Allele origin: unknown. Affected: yes. Study: The Canadian Open Genetics Repository (COGR).
Comment: The HOMER2 p.A144T variant was not identified in the literature nor was it identified in ClinVar. The variant was identified in dbSNP (ID: rs780027349) and in control databases in 4 of 280648 chromosomes at a frequency of 0.00001425 (Genome Aggregation Database March 6, 2019, v2.1.1). The variant was observed in the following populations: East Asian in 3 of 19536 chromosomes (freq: 0.000154) and South Asian in 1 of 30602 chromosomes (freq: 0.000033), but was not observed in the African, Latino, Ashkenazi Jewish, European (Finnish), European (non-Finnish), or Other populations. The p.A144 residue is not conserved in mammals and computational analyses (PolyPhen-2, SIFT, MutationTaster, Revel, FATHMM, MetaLR, DANN) do not suggest a high likelihood of impact to the protein; however, this information is not predictive enough to rule out pathogenicity. The variant occurs outside of the splicing consensus sequence and in silico or computational prediction software programs (Splice AI exome) do not predict a difference in splicing. In summary, based on the above information the clinical significance of this variant cannot be determined with certainty at this time. This variant is classified as a variant of uncertain significance.